The following is an entry in ClinVar:

NM_006766.5(KAT6A):c.5776C>T (p.Arg1926Ter)

Gene: KAT6A (lysine acetyltransferase 6A; minus strand). Cytogenetic location: 8p11.21.
Variant type: single nucleotide variant.
Coding change: c.5776C>T on transcript NM_006766.5 (MANE Select); coding-DNA position 5776, C replaced by T.
Protein change: p.Arg1926Ter; replaces arginine 1926 with a stop codon.
Molecular consequence: nonsense.
Genome position (GRCh38, 1-based): chr8:41,932,444, G>A on the plus strand (C>T on the coding strand, the complement: KAT6A is on the minus strand). VCF-style: chr8-41932444-G-A. GRCh37 (hg19) VCF-style: chr8-41789962-G-A.
Other names: short protein forms R1926*.
Identifiers: ClinVar variation 4852363 (VCV004852363.1).

ClinVar aggregate classification (germline): Uncertain significance (1 of 4 stars; one submission).

Conditions:
Autosomal dominant intellectual disability-craniofacial anomalies-cardiac defects syndrome (ARTHS). Also called: Arboleda-Tham syndrome; Mental retardation, autosomal dominant 32; KAT6A syndrome. Identifiers: Orphanet 457193, MedGen C4225396, MONDO:0014558, OMIM 616268.

Submission:

MVZ Medizinische Genetik Mainz
Classification: Uncertain significance for Autosomal dominant intellectual disability-craniofacial anomalies-cardiac defects syndrome. Last evaluated: 2026-05-12. Review status: criteria provided, single submitter. Criteria: UK Practice Guidelines For Variant Classification V4 01 2020. Collection method: clinical testing. Allele origin: germline. Inheritance: Autosomal dominant inheritance. Affected: yes. Observed: 1 variant allele.
Comment: ACMG Criteria: PVS1_MOD,PM2_SUP